The following is an entry in ClinVar:

ClinVar aggregate classification (germline): Benign. Review status: criteria provided, multiple submitters, no conflicts (2 of 4 stars). 3 submissions from 3 submitters: Benign (3). Last evaluated 2025-12-17.

Conditions:
Monilethrix. Also called: Beaded hair. Identifiers: Orphanet 573, MedGen C0546966, MONDO:0008009, HP:0032470.

Allele frequency attached by ClinVar (database versions not stated): gnomAD exomes 0.00048 and 0.00123; ExAC 0.00152; gnomAD 0.00483 and 0.00509; 1000 Genomes Project 0.00519; TOPMed 0.00540; 1000 Genomes Project 30x 0.00547; ESP Exome Variant Server 0.00630.
gnomAD v4.1: 1,499 of 1,613,102 alleles (0.093%); highest among the groups gnomAD compares: African/African-American, 1.7%; 13 homozygotes.

Submissions (3):

Labcorp Genetics (formerly Invitae), Labcorp
Classification: Benign. Last evaluated: 2025-12-17. Review status: criteria provided, single submitter. Criteria: Invitae Variant Classification Sherloc (09022015). Collection method: clinical testing. Allele origin: germline.

Illumina Laboratory Services, Illumina
Classification: Benign for Monilethrix-1. Last evaluated: 2018-01-12. Review status: criteria provided, single submitter. Criteria: ICSL Variant Classification Criteria 13 December 2019. Collection method: clinical testing. Allele origin: germline.
Comment: This variant was observed in the ICSL laboratory as part of a predisposition screen in an ostensibly healthy population. It had not been previously curated by ICSL or reported in the Human Gene Mutation Database (HGMD: prior to June 1st, 2018), and was therefore a candidate for classification through an automated scoring system. Utilizing variant allele frequency, disease prevalence and penetrance estimates, and inheritance mode, an automated score was calculated to assess if this variant is too frequent to cause the disease. Based on the score and internal cut-off values, a variant classified as benign is not then subjected to further curation. The score for this variant resulted in a classification of benign for this disease.

Breakthrough Genomics
Classification: Benign. Review status: criteria provided, single submitter. Criteria: ACMG Guidelines, 2015. Collection method: not provided. Allele origin: germline. Inheritance: Autosomal recessive inheritance. Affected: yes.

NM_002282.3(KRT83):c.312G>A (p.Ala104=)

Gene: KRT83 (keratin 83; minus strand). Cytogenetic location: 12q13.13.
Variant type: single nucleotide variant.
Coding change: c.312G>A on transcript NM_002282.3 (MANE Select); coding-DNA position 312, G replaced by A.
Protein change: p.Ala104=; no amino-acid change (alanine 104 retained).
Molecular consequence: synonymous variant.
Genome position (GRCh38, 1-based): chr12:52,321,024, C>T on the plus strand (G>A on the coding strand, the complement: KRT83 is on the minus strand). VCF-style: chr12-52321024-C-T. GRCh37 (hg19) VCF-style: chr12-52714808-C-T.
Identifiers: ClinVar variation 309539 (VCV000309539.10), dbSNP rs111267865, ClinGen allele CA6577739.